The following is an entry in ClinVar:

ClinVar aggregate classification (germline): Uncertain significance (1 of 4 stars; one submission).

Conditions:
Hereditary cancer-predisposing syndrome. Also called: Neoplastic Syndromes, Hereditary; Tumor predisposition; Hereditary Cancer Syndrome; Hereditary neoplastic syndrome. Identifiers: Orphanet 140162, MedGen C0027672, MeSH D009386, MONDO:0015356.

Submission:

Ambry Genetics
Classification: Uncertain significance for Hereditary cancer-predisposing syndrome. Last evaluated: 2025-10-22. Review status: criteria provided, single submitter. Criteria: Ambry Variant Classification Scheme 2023. Collection method: clinical testing. Allele origin: germline.
Comment: The p.Y859D variant (also known as c.2575T>G), located in coding exon 16 of the CDH1 gene, results from a T to G substitution at nucleotide position 2575. The tyrosine at codon 859 is replaced by aspartic acid, an amino acid with highly dissimilar properties. This amino acid position is conserved. In addition, this alteration is predicted to be deleterious by in silico analysis. Based on the available evidence, the clinical significance of this variant remains unclear.

NM_004360.5(CDH1):c.2575T>G (p.Tyr859Asp)

Gene: CDH1 (cadherin 1; plus strand). Cytogenetic location: 16q22.1.
Variant type: single nucleotide variant.
Coding change: c.2575T>G on transcript NM_004360.5 (MANE Select); coding-DNA position 2575, T replaced by G.
Protein change: p.Tyr859Asp; replaces tyrosine 859 with aspartic acid.
Molecular consequence: missense variant.
Genome position (GRCh38, 1-based): chr16:68,833,425, T>G. VCF-style: chr16-68833425-T-G. GRCh37 (hg19) VCF-style: chr16-68867328-T-G.
Other names: c.2392T>G, p.Tyr798Asp (NM_001317184.2); c.1027T>G, p.Tyr343Asp (NM_001317185.2); c.610T>G, p.Tyr204Asp (NM_001317186.2); short protein forms Y204D, Y798D, Y859D, Y343D.
Identifiers: ClinVar variation 4632571 (VCV004632571.1).